The following is an entry in ClinVar:

NM_000057.4(BLM):c.696C>A (p.Ser232Arg)

Gene: BLM (BLM RecQ like helicase; plus strand). Cytogenetic location: 15q26.1.
Variant type: single nucleotide variant.
Coding change: c.696C>A on transcript NM_000057.4 (MANE Select); coding-DNA position 696, C replaced by A.
Protein change: p.Ser232Arg; replaces serine 232 with arginine.
Molecular consequence: missense variant. On other transcripts: 5 prime UTR variant (1).
Genome position (GRCh38, 1-based): chr15:90,749,964, C>A. VCF-style: chr15-90749964-C-A. GRCh37 (hg19) VCF-style: chr15-91293194-C-A.
Other names: p.S232R:AGC>AGA; c.696C>A, p.Ser232Arg (NM_001287246.2, NM_001287247.2); c.-596C>A (NM_001287248.2); c.696C>A (LRG_20t1); short protein forms S232R.
Identifiers: ClinVar variation 127514 (VCV000127514.24), dbSNP rs201845548, ClinGen allele CA287145.
Genomic context (GRCh38, chr15:90,749,964, plus strand): 5'-CTCTGAAAGCGAGCAAATAGATTTGACTGAGGAACAGAAGGATGACTCAGAATGGTTAAG[C>A]AGCGATGTGATTTGCATCGATGATGGCCCCATTGCTGAAGTGCATATAAATGAAGATGCT-3'
Protein context (NP_000048.1, residues 222-242): EEQKDDSEWL[Ser232Arg]SDVICIDDGP

ClinVar aggregate classification (germline): Conflicting classifications of pathogenicity. Review status: criteria provided, conflicting classifications (1 of 4 stars). 6 submissions from 6 submitters: Uncertain significance (5); Likely benign (1). Last evaluated 2026-01-27.

Conditions:
Hereditary cancer-predisposing syndrome. Also called: Hereditary Cancer Syndrome; Hereditary neoplastic syndrome; Tumor predisposition; Neoplastic Syndromes, Hereditary. Identifiers: Orphanet 140162, MedGen C0027672, MeSH D009386, MONDO:0015356.
Bloom syndrome (BLM). Also called: Bloom-Torre-Machacek syndrome. Identifiers: Orphanet 125, MedGen C0005859, MONDO:0008876, OMIM 210900.

Allele frequency attached by ClinVar (database versions not stated): gnomAD 0.00001 and 0.00002; ExAC 0.00002; TOPMed 0.00004; gnomAD exomes 0.00005; ESP Exome Variant Server 0.00008.
gnomAD v4.1: 35 of 1,614,112 alleles (0.0022%); highest among the groups gnomAD compares: Non-Finnish European, 0.0012%; 1 homozygote.

Submissions (6):

Labcorp Genetics (formerly Invitae), Labcorp
Classification: Likely benign for Bloom syndrome. Last evaluated: 2026-01-27. Review status: criteria provided, single submitter. Criteria: Invitae Variant Classification Sherloc (09022015). Collection method: clinical testing. Allele origin: germline.

Quest Diagnostics Nichols Institute San Juan Capistrano
Classification: Uncertain significance. Last evaluated: 2025-11-07. Review status: criteria provided, single submitter. Criteria: Quest Diagnostics criteria. Collection method: clinical testing. Allele origin: unknown.
Comment: The BLM c.696C>A (p.Ser232Arg) variant has been reported in the published literature in an individual with pancreatic cancer (PMID: 30152102 (2018)). The frequency of this variant in the general population (Genome Aggregation Database) is higher than would generally be expected for pathogenic variants in this gene. Analysis of this variant using bioinformatics tools for the prediction of the effect of amino acid changes on protein structure and function yielded predictions that this variant is benign. Based on the available information, we are unable to determine the clinical significance of this variant.

GeneDx
Classification: Uncertain significance. Last evaluated: 2025-03-09. Review status: criteria provided, single submitter. Criteria: GeneDx Variant Classification Process June 2021. Collection method: clinical testing. Allele origin: germline. Affected: yes.
Comment: In silico analysis indicates that this missense variant does not alter protein structure/function; Observed in an individual with pancreatic cancer who also harbored a pathogenic variant in CHEK2 (PMID: 30152102); This variant is associated with the following publications: (PMID: 30152102)

Ambry Genetics
Classification: Uncertain significance for Hereditary cancer-predisposing syndrome. Last evaluated: 2023-10-20. Review status: criteria provided, single submitter. Criteria: Ambry Variant Classification Scheme 2023. Collection method: clinical testing. Allele origin: germline.
Comment: The p.S232R variant (also known as c.696C>A), located in coding exon 2 of the BLM gene, results from a C to A substitution at nucleotide position 696. The serine at codon 232 is replaced by arginine, an amino acid with dissimilar properties. A CHEK2 mutation (c.1283C>T) was also identified (Cox DM et al. Mol Genet Genomic Med, 2018 11;6:1236-1242). This amino acid position is not well conserved in available vertebrate species. In addition, this alteration is predicted to be tolerated by in silico analysis. Since supporting evidence is limited at this time, the clinical significance of this alteration remains unclear.

Sema4
Classification: Uncertain significance for Hereditary cancer-predisposing syndrome. Last evaluated: 2021-10-19. Review status: criteria provided, single submitter. Criteria: Sema4 Curation Guidelines. Collection method: curation. Allele origin: germline.
Comment: The BLM c.696C>A (p.S232R) variant has been reported in an individual with pancreatic cancer who also harbored a pathogenic CHEK2 variant (PMID 30152102). This variant was observed in 9/10068 in the Ashkenazi Jewish population according to the large and broad cohorts of the Genome Aggregation Database (PMID: 32461654). This variant has been reported in ClinVar (Variation ID 127514). In silico tools suggest the impact of the variant on protein function is benign, though these predictions have not been confirmed by functional studies. The overall evidence is insufficient to meet ACMG/AMP criteria for classifying it as benign or pathogenic. In summary, the clinical significance of this variant is currently uncertain.

Illumina Laboratory Services, Illumina
Classification: Uncertain significance for Bloom syndrome. Last evaluated: 2018-01-12. Review status: criteria provided, single submitter. Criteria: ICSL Variant Classification Criteria 13 December 2019. Collection method: clinical testing. Allele origin: germline.

Literature cited by the submitters: PubMed 30152102 (cited by 3 submitters).